The following is an entry in ClinVar:

NM_000532.5(PCCB):c.1511A>C (p.Asp504Ala)

Gene: PCCB (propionyl-CoA carboxylase subunit beta; plus strand). Cytogenetic location: 3q22.3.
Variant type: single nucleotide variant.
Coding change: c.1511A>C on transcript NM_000532.5 (MANE Select); coding-DNA position 1511, A replaced by C.
Protein change: p.Asp504Ala; replaces aspartic acid 504 with alanine.
Molecular consequence: missense variant.
Genome position (GRCh38, 1-based): chr3:136,329,917, A>C. VCF-style: chr3-136329917-A-C. GRCh37 (hg19) VCF-style: chr3-136048759-A-C.
Other names: c.1571A>C, p.Asp524Ala (NM_001178014.2); short protein forms D504A, D524A.
Identifiers: ClinVar variation 1416986 (VCV001416986.6), dbSNP rs1027171385, ClinGen allele CA83821909.

ClinVar aggregate classification (germline): Uncertain significance (1 of 4 stars; one submission).

Conditions:
Propionic acidemia (PROP). Also called: KETOTIC HYPERGLYCINEMIA; GLYCINEMIA, KETOTIC; HYPERGLYCINEMIA WITH KETOACIDOSIS AND LEUKOPENIA. Identifiers: Orphanet 35, MedGen C0268579, MONDO:0011628, OMIM 606054, HP:0003571.

Allele frequency attached by ClinVar (database versions not stated): gnomAD exomes below 0.00001; gnomAD 0.00003; TOPMed 0.00003.
gnomAD v4.1: 5 of 1,614,014 alleles (0.00031%); highest among the groups gnomAD compares: African/African-American, 0.0053%; no homozygotes.

Submission:

Labcorp Genetics (formerly Invitae), Labcorp
Classification: Uncertain significance for Propionic acidemia. Last evaluated: 2025-02-25. Review status: criteria provided, single submitter. Criteria: Invitae Variant Classification Sherloc (09022015). Collection method: clinical testing. Allele origin: germline.
Comment: This sequence change replaces aspartic acid, which is acidic and polar, with alanine, which is neutral and non-polar, at codon 504 of the PCCB protein (p.Asp504Ala). This variant is present in population databases (no rsID available, gnomAD 0.02%). This variant has not been reported in the literature in individuals affected with PCCB-related conditions. ClinVar contains an entry for this variant (Variation ID: 1416986). Invitae Evidence Modeling of protein sequence and biophysical properties (such as structural, functional, and spatial information, amino acid conservation, physicochemical variation, residue mobility, and thermodynamic stability) indicates that this missense variant is not expected to disrupt PCCB protein function with a negative predictive value of 80%. In summary, the available evidence is currently insufficient to determine the role of this variant in disease. Therefore, it has been classified as a Variant of Uncertain Significance.